The following is an entry in ClinVar:

ClinVar aggregate classification (germline): Uncertain significance (1 of 4 stars; one submission).

Conditions:
Intellectual developmental disorder, autosomal recessive 18, with or without epilepsy. Also called: Intellectual disability, autosomal recessive 18. Identifiers: Orphanet 88616, MedGen C3280265, MONDO:0013651, OMIM 614249.

Submission:

GeneDx
Classification: Uncertain significance. Last evaluated: 2022-05-20. Review status: criteria provided, single submitter. Criteria: GeneDx Variant Classification Process June 2021. Collection method: clinical testing. Allele origin: germline. Affected: yes.
Comment: Has not been previously published as pathogenic or benign to our knowledge; Not observed at significant frequency in large population cohorts (gnomAD); In silico analysis supports that this missense variant has a deleterious effect on protein structure/function

NM_004830.4(MED23):c.2528T>C (p.Leu843Pro)

Gene: MED23 (mediator complex subunit 23; minus strand). Cytogenetic location: 6q23.2.
Variant type: single nucleotide variant.
Coding change: c.2528T>C on transcript NM_004830.4 (MANE Select); coding-DNA position 2528, T replaced by C.
Protein change: p.Leu843Pro; replaces leucine 843 with proline.
Molecular consequence: missense variant. On other transcripts: intron variant (1).
Genome position (GRCh38, 1-based): chr6:131,598,366, A>G on the plus strand (T>C on the coding strand, the complement: MED23 is on the minus strand). VCF-style: chr6-131598366-A-G. GRCh37 (hg19) VCF-style: chr6-131919506-A-G.
Other names: c.2528T>C, p.Leu843Pro (NM_001270521.2, NM_001270522.2, NM_001376519.1 and 2 more transcripts); c.2546T>C, p.Leu849Pro (NM_001376517.1, NM_015979.4); c.2474T>C, p.Leu825Pro (NM_001376518.1); c.2387T>C, p.Leu796Pro (NM_001376520.1); c.2273T>C, p.Leu758Pro (NM_001376523.1); c.2220+1672T>C (NM_001376524.1); short protein forms L758P, L796P, L825P, L843P, L849P.
Identifiers: ClinVar variation 1801051 (VCV001801051.3), dbSNP rs1554254131, ClinGen allele CA365667551.
Genomic context (GRCh38, chr6:131,598,366, plus strand): 5'-TCCAGTGTAACAATGTTATACTTCCATACCATGTCATTAAGAATTTCAATGCATTTATTG[A>G]GTTGCTGACCCCCTGCTGATGTAGAAAACTCATATACCAGGAAATCTGCAAATGTCCTCA-3'
Protein context (NP_004821.2, residues 833-853): EFSTSAGGQQ[Leu843Pro]NKCIEILNDM